The following is an entry in ClinVar:

ClinVar aggregate classification (germline): Uncertain significance (1 of 4 stars; one submission).

Conditions:
Arrhythmogenic right ventricular dysplasia 13. Also called: ARRHYTHMOGENIC RIGHT VENTRICULAR CARDIOMYOPATHY 13; Arrhythmogenic right ventricular dysplasia, familial, 13. Identifiers: MedGen C3810138, MONDO:0000908, OMIM 615616.

gnomAD v4.1: 4 of 1,613,584 alleles (0.00025%); highest among the groups gnomAD compares: Non-Finnish European, 0.00034%; no homozygotes.

Submission:

Labcorp Genetics (formerly Invitae), Labcorp
Classification: Uncertain significance for Arrhythmogenic right ventricular dysplasia 13. Last evaluated: 2024-06-03. Review status: criteria provided, single submitter. Criteria: Invitae Variant Classification Sherloc (09022015). Collection method: clinical testing. Allele origin: germline.
Comment: This sequence change replaces alanine, which is neutral and non-polar, with proline, which is neutral and non-polar, at codon 338 of the CTNNA3 protein (p.Ala338Pro). This variant is present in population databases (no rsID available, gnomAD 0.0009%). This variant has not been reported in the literature in individuals affected with CTNNA3-related conditions. ClinVar contains an entry for this variant (Variation ID: 2142479). Advanced modeling of protein sequence and biophysical properties (such as structural, functional, and spatial information, amino acid conservation, physicochemical variation, residue mobility, and thermodynamic stability) performed at Invitae indicates that this missense variant is expected to disrupt CTNNA3 protein function with a positive predictive value of 80%. In summary, the available evidence is currently insufficient to determine the role of this variant in disease. Therefore, it has been classified as a Variant of Uncertain Significance.

NM_013266.4(CTNNA3):c.1012G>C (p.Ala338Pro)

Gene: CTNNA3 (catenin alpha 3; minus strand). Cytogenetic location: 10q21.3.
Variant type: single nucleotide variant.
Coding change: c.1012G>C on transcript NM_013266.4 (MANE Select); coding-DNA position 1012, G replaced by C.
Protein change: p.Ala338Pro; replaces alanine 338 with proline.
Molecular consequence: missense variant.
Genome position (GRCh38, 1-based): chr10:67,180,352, C>G on the plus strand (G>C on the coding strand, the complement: CTNNA3 is on the minus strand). VCF-style: chr10-67180352-C-G. GRCh37 (hg19) VCF-style: chr10-68940110-C-G.
Other names: c.1012G>C, p.Ala338Pro (NM_001127384.3); c.1048G>C, p.Ala350Pro (NM_001291133.2); short protein forms A338P, A350P.
Identifiers: ClinVar variation 2142479 (VCV002142479.4), dbSNP rs763229606, ClinGen allele CA377096788.